The following is an entry in ClinVar:

NM_025132.4(WDR19):c.3251G>T (p.Gly1084Val)

Gene: WDR19 (WD repeat domain 19; plus strand). Cytogenetic location: 4p14.
Variant type: single nucleotide variant.
Coding change: c.3251G>T on transcript NM_025132.4 (MANE Select); coding-DNA position 3251, G replaced by T.
Protein change: p.Gly1084Val; replaces glycine 1084 with valine.
Molecular consequence: missense variant.
Genome position (GRCh38, 1-based): chr4:39,266,130, G>T. VCF-style: chr4-39266130-G-T. GRCh37 (hg19) VCF-style: chr4-39267750-G-T.
Other names: c.2771G>T, p.Gly924Val (NM_001317924.2); short protein forms G924V, G1084V.
Identifiers: ClinVar variation 968899 (VCV000968899.11), dbSNP rs1394317306, ClinGen allele CA356644995.
Genomic context (GRCh38, chr4:39,266,130, plus strand): 5'-AGGCCAAAGATGAACTGCTGACCAATCAGCTGATAGACCATCTCCTGGGGGAGAACGATG[G>T]CATGCCTAAGGTACTGAACACGTGGGCTTCGTGTGCATCCTCAGGTCTCAGTTACAGTTT-3'
Protein context (NP_079408.3, residues 1074-1094): LIDHLLGEND[Gly1084Val]MPKDAKYLFR

ClinVar aggregate classification (germline): Uncertain significance. Review status: criteria provided, multiple submitters, no conflicts (2 of 4 stars). 2 submissions from 2 submitters: Uncertain significance (2). Last evaluated 2022-02-01.

Conditions:
Asphyxiating thoracic dystrophy 5 (SRTD5). Also called: SHORT-RIB THORACIC DYSPLASIA 5 WITH OR WITHOUT POLYDACTYLY; SHORT-RIB THORACIC DYSPLASIA 5 WITHOUT POLYDACTYLY. Identifiers: Orphanet 474, MedGen C3280598, MONDO:0013717, OMIM 614376.
Senior-Loken syndrome 8 (SLSN8). Identifiers: Orphanet 3156, MedGen C4225376, MONDO:0014579, OMIM 616307.

Submissions (2):

Labcorp Genetics (formerly Invitae), Labcorp
Classification: Uncertain significance for Senior-Loken syndrome 8; Asphyxiating thoracic dystrophy 5. Last evaluated: 2022-02-01. Review status: criteria provided, single submitter. Criteria: Invitae Variant Classification Sherloc (09022015). Collection method: clinical testing. Allele origin: germline.
Comment: ClinVar contains an entry for this variant (Variation ID: 968899). In summary, the available evidence is currently insufficient to determine the role of this variant in disease. Therefore, it has been classified as a Variant of Uncertain Significance. Algorithms developed to predict the effect of missense changes on protein structure and function (SIFT, PolyPhen-2, Align-GVGD) all suggest that this variant is likely to be disruptive. This variant has not been reported in the literature in individuals affected with WDR19-related conditions. This variant is not present in population databases (gnomAD no frequency). This sequence change replaces glycine, which is neutral and non-polar, with valine, which is neutral and non-polar, at codon 1084 of the WDR19 protein (p.Gly1084Val).

Blueprint Genetics
Classification: Uncertain significance. Last evaluated: 2020-09-16. Review status: criteria provided, single submitter. Criteria: ACMG Guidelines, 2015. Collection method: clinical testing. Allele origin: germline.